The following is an entry in ClinVar:

NM_012281.3(KCND2):c.704C>T (p.Ala235Val)

Gene: KCND2 (potassium voltage-gated channel subfamily D member 2; plus strand). Cytogenetic location: 7q31.31.
Variant type: single nucleotide variant.
Coding change: c.704C>T on transcript NM_012281.3 (MANE Select); coding-DNA position 704, C replaced by T.
Protein change: p.Ala235Val; replaces alanine 235 with valine.
Molecular consequence: missense variant.
Genome position (GRCh38, 1-based): chr7:120,275,336, C>T. VCF-style: chr7-120275336-C-T. GRCh37 (hg19) VCF-style: chr7-119915390-C-T.
Other names: short protein forms A235V.
Identifiers: ClinVar variation 956493 (VCV000956493.10), dbSNP rs1398907255, ClinGen allele CA369132205.

ClinVar aggregate classification (germline): Uncertain significance (1 of 4 stars; one submission).

Conditions:
Early Myoclonic Encephalopathy. Identifiers: MedGen C0270855.

Allele frequency attached by ClinVar (database versions not stated): gnomAD 0.00001; gnomAD exomes 0.00001; TOPMed 0.00001.
gnomAD v4.1: 5 of 1,613,660 alleles (0.00031%); highest among the groups gnomAD compares: Non-Finnish European, 0.00042%; no homozygotes.

Submission:

Labcorp Genetics (formerly Invitae), Labcorp
Classification: Uncertain significance for Early Myoclonic Encephalopathy. Last evaluated: 2020-12-30. Review status: criteria provided, single submitter. Criteria: Invitae Variant Classification Sherloc (09022015). Collection method: clinical testing. Allele origin: germline.
Comment: In summary, the available evidence is currently insufficient to determine the role of this variant in disease. Therefore, it has been classified as a Variant of Uncertain Significance. Algorithms developed to predict the effect of sequence changes on RNA splicing suggest that this variant may create or strengthen a splice site, but this prediction has not been confirmed by published transcriptional studies. Algorithms developed to predict the effect of missense changes on protein structure and function are either unavailable or do not agree on the potential impact of this missense change (SIFT: "Deleterious"; PolyPhen-2: "Probably Damaging"; Align-GVGD: "Class C0"). This variant has not been reported in the literature in individuals with KCND2-related conditions. ClinVar contains an entry for this variant (Variation ID: 956493). This variant is not present in population databases (ExAC no frequency). This sequence change replaces alanine with valine at codon 235 of the KCND2 protein (p.Ala235Val). The alanine residue is highly conserved and there is a small physicochemical difference between alanine and valine.